The following is an entry in ClinVar:

NM_000448.3(RAG1):c.1870C>T (p.Arg624Cys)

Gene: RAG1 (recombination activating 1; plus strand). Cytogenetic location: 11p12.
Variant type: single nucleotide variant.
Coding change: c.1870C>T on transcript NM_000448.3 (MANE Select); coding-DNA position 1870, C replaced by T.
Protein change: p.Arg624Cys; replaces arginine 624 with cysteine.
Molecular consequence: missense variant.
Genome position (GRCh38, 1-based): chr11:36,575,174, C>T. VCF-style: chr11-36575174-C-T. GRCh37 (hg19) VCF-style: chr11-36596724-C-T.
Other names: NM_000448.3(RAG1):c.1870C>T; c.1870C>T, p.Arg624Cys (NM_001377277.1, NM_001377278.1, NM_001377279.1 and 1 more transcripts); short protein forms R624C.
Identifiers: ClinVar variation 68686 (VCV000068686.7), dbSNP rs199474688, ClinGen allele CA219815.

ClinVar aggregate classification (germline): Pathogenic. Review status: reviewed by expert panel (3 of 4 stars). 4 submissions from 4 submitters: Pathogenic (1). 3 of the submissions do not count toward it. Last evaluated 2026-09-28.

Conditions:
Recombinase activating gene 1 deficiency. Identifiers: MedGen CN375631, MONDO:0000572.
Combined immunodeficiency with skin granulomas. Identifiers: Orphanet 157949, MedGen C2673536, MONDO:0009306, OMIM 233650.
Severe combined immunodeficiency, autosomal recessive, T cell-negative, B cell-negative, NK cell-positive. Also called: SCID, AR, T-cell negative, B-cell negative, NK cell-positive; Severe combined immunodeficiency due to complete RAG1/2 deficiency; SCID, T CELL-NEGATIVE, B CELL-NEGATIVE, NK CELL-POSITIVE. Identifiers: Orphanet 331206, MedGen C1832322, MONDO:0011086, OMIM 601457.
Combined immunodeficiency due to partial RAG1 deficiency. Identifiers: Orphanet 231154, MedGen C1835931, MONDO:0012359, OMIM 609889.

Allele frequency attached by ClinVar (database versions not stated): gnomAD exomes below 0.00001 and 0.00001; TOPMed below 0.00001; ExAC 0.00001; ESP Exome Variant Server 0.00015.
gnomAD v4.1: 6 of 1,614,094 alleles (0.00037%); highest among the groups gnomAD compares: Non-Finnish European, 0.00042%; no homozygotes.

Submissions (4):

ClinGen Severe Combined Immunodeficiency Variant Curation Expert Panel, ClinGen
Classification: Pathogenic for Recombinase activating gene 1 deficiency. Last evaluated: 2026-09-28. Review status: reviewed by expert panel. Criteria: ClinGen SCID ACMG Specifications RAG1 V2.2. Collection method: curation. Allele origin: germline. Inheritance: Autosomal recessive inheritance.
Comment: The NM_000448.3(RAG1):c.1870C>T (p.Arg624Cys) variant in RAG1 is a missense variant predicted to cause substitution of arginine by cystein at amino acid number 624 (p.Arg624Cys). This variant resides within the core domain [amino acids 387-1011] of RAG1 that is defined as a mutational hotspot and/or critical functional domain by the ClinGen Severe Combined Immunodeficiency Disease VCEP (PMID: 26996199) (PM1_Supporting). The total GrpMax filtering allele frequency in gnomAD v4.1.1 is 0.000001240 from the European (non-Finnish) genetic ancestry group (the lower threshold of the 95% CI of 5/1179986 alleles), which is lower than the ClinGen SCID VCEP threshold threshold (<0.000102) for PM2_supporting, and therefore meets this criterion (PM2_Supporting). One missense variant (c.1871G>A, p.Arg624His) in the same codon has been classified as pathogenic for RAG1 deficiency SCID by the ClinGen SCID VCEP (PM5_Met). VD(J) recombination assay in A-MuLV–transformed pro-B cells deficient for mRag1 showed Arg624Cys RAG1 has 0.1% +/- 0.1 of the recombination activity of wild-type RAG1, which is less than 25% of wild type activity, indicating that this variant impacts protein function (PMID: 32655540) (PS3_Moderate). At least one patient with this variant displayed 82% of CD4+ T cells with CD45RO+ memory phenotype, generalized rash and absence of TME, eosinophilia (7420 cells/uL) and elevated IgE levels (2,251 IU/mL), resulting in a clinical diagnosis of Omenn Syndrome (0.5 pt.). This patient also had NGS (ion torrent) run on a SCID gene panel (1 pt.), which is highly specific for SCID (1.5 pts, PMID: 34664192, PP4_met). This variant has been detected in at least 3 individuals with RAG1 deficiency. Of those individuals, all were compound heterozygous for the variant and another pathogenic or likely pathogenic variant which were confirmed in trans by parental testing (PMID: 32655540, 2 probands with Lys86ValfsTer? in trans, 1pt/probands, 2 pts total; PMID: 18822103,Arg474His , 1pt; PM3_Strong). In summary, this variant meets the criteria to be classified as pathogenic for autosomal recessive severe combined immunodeficiency due to RAG1 deficiency based on the ACMG/AMP criteria applied, as specified by the ClinGen SCID VCEP: PM3_Strong, PM5_met, PS3_Moderate, PP4_met, PM1_supporting, PM2_supporting (VCEP specifications version 2.2).

Labcorp Genetics (formerly Invitae), Labcorp
Classification: Pathogenic for Combined immunodeficiency with skin granulomas; Severe combined immunodeficiency, autosomal recessive, T cell-negative, B cell-negative, NK cell-positive. Last evaluated: 2026-01-19. Review status: criteria provided, single submitter. Criteria: Invitae Variant Classification Sherloc (09022015). Collection method: clinical testing. Allele origin: germline. Not counted in ClinVar's aggregate classification.
Comment: This sequence change replaces arginine, which is basic and polar, with cysteine, which is neutral and slightly polar, at codon 624 of the RAG1 protein (p.Arg624Cys). This variant is present in population databases (rs199474688, gnomAD 0.01%). This missense change has been observed in individual(s) with Omenn syndrome (PMID: 11133745, 28783691, 31031743, 32655540). ClinVar contains an entry for this variant (Variation ID: 68686). Invitae Evidence Modeling of protein sequence and biophysical properties (such as structural, functional, and spatial information, amino acid conservation, physicochemical variation, residue mobility, and thermodynamic stability) has been performed for this missense variant. However, the output from this modeling did not meet the statistical confidence thresholds required to predict the impact of this variant on RAG1 protein function. This variant disrupts the p.Arg624 amino acid residue in RAG1. Other variant(s) that disrupt this residue have been determined to be pathogenic (PMID: 2808362, 16960852, 24290284). This suggests that this residue is clinically significant, and that variants that disrupt this residue are likely to be disease-causing. For these reasons, this variant has been classified as Pathogenic.

Baylor Genetics
Classification: Pathogenic for Combined immunodeficiency due to partial RAG1 deficiency. Last evaluated: 2023-09-17. Review status: criteria provided, single submitter. Criteria: ACMG Guidelines, 2015. Collection method: clinical testing. Allele origin: unknown. Not counted in ClinVar's aggregate classification.

UniProtKB/Swiss-Prot
No classification provided. Review status: no classification provided. Collection method: not provided. Allele origin: not provided. Not counted in ClinVar's aggregate classification.

Literature cited by the submitters: PubMed 11133745 (cited by Labcorp Genetics (formerly Invitae), Labcorp); PubMed 28783691 (cited by Labcorp Genetics (formerly Invitae), Labcorp); PubMed 31031743 (cited by Labcorp Genetics (formerly Invitae), Labcorp); PubMed 32655540 (cited by Labcorp Genetics (formerly Invitae), Labcorp); PubMed 2808362 (cited by Labcorp Genetics (formerly Invitae), Labcorp); PubMed 16960852 (cited by Labcorp Genetics (formerly Invitae), Labcorp); PubMed 24290284 (cited by Labcorp Genetics (formerly Invitae), Labcorp).